The following is an entry in ClinVar:

NM_024642.5(GALNT12):c.502C>G (p.Leu168Val)

Gene: GALNT12 (polypeptide N-acetylgalactosaminyltransferase 12; plus strand). Cytogenetic location: 9q22.33.
Variant type: single nucleotide variant.
Coding change: c.502C>G on transcript NM_024642.5 (MANE Select); coding-DNA position 502, C replaced by G.
Protein change: p.Leu168Val; replaces leucine 168 with valine.
Molecular consequence: missense variant.
Genome position (GRCh38, 1-based): chr9:98,823,386, C>G. VCF-style: chr9-98823386-C-G. GRCh37 (hg19) VCF-style: chr9-101585668-C-G.
Other names: short protein forms L168V.
Identifiers: ClinVar variation 1047176 (VCV001047176.8), dbSNP rs1835789469, ClinGen allele CA374216833.

ClinVar aggregate classification (germline): Uncertain significance (1 of 4 stars; one submission).

Submission:

Labcorp Genetics (formerly Invitae), Labcorp
Classification: Uncertain significance. Last evaluated: 2023-08-10. Review status: criteria provided, single submitter. Criteria: Invitae Variant Classification Sherloc (09022015). Collection method: clinical testing. Allele origin: germline.
Comment: Advanced modeling of protein sequence and biophysical properties (such as structural, functional, and spatial information, amino acid conservation, physicochemical variation, residue mobility, and thermodynamic stability) performed at Invitae indicates that this missense variant is not expected to disrupt GALNT12 protein function. This sequence change replaces leucine, which is neutral and non-polar, with valine, which is neutral and non-polar, at codon 168 of the GALNT12 protein (p.Leu168Val). This variant is not present in population databases (gnomAD no frequency). This variant has not been reported in the literature in individuals affected with GALNT12-related conditions. ClinVar contains an entry for this variant (Variation ID: 1047176). In summary, the available evidence is currently insufficient to determine the role of this variant in disease. Therefore, it has been classified as a Variant of Uncertain Significance.